The following is an entry in ClinVar:

NM_177559.3(CSNK2A1):c.1104A>G (p.Ala368=)

Gene: CSNK2A1 (casein kinase 2 alpha 1; minus strand). Cytogenetic location: 20p13.
Variant type: single nucleotide variant.
Coding change: c.1104A>G on transcript NM_177559.3 (MANE Select); coding-DNA position 1104, A replaced by G.
Protein change: p.Ala368=; no amino-acid change (alanine 368 retained).
Molecular consequence: synonymous variant.
Genome position (GRCh38, 1-based): chr20:484,033, T>C on the plus strand (A>G on the coding strand, the complement: CSNK2A1 is on the minus strand). VCF-style: chr20-484033-T-C. GRCh37 (hg19) VCF-style: chr20-464677-T-C.
Other names: c.1104A>G, p.Ala368= (NM_001362770.2, NM_001362771.2, NM_001895.4); c.696A>G, p.Ala232= (NM_177560.3).
Identifiers: ClinVar variation 756038 (VCV000756038.4), dbSNP rs147347429, ClinGen allele CA9723794.

ClinVar aggregate classification (germline): Benign/Likely benign. Review status: criteria provided, multiple submitters, no conflicts (2 of 4 stars). 2 submissions from 2 submitters: Benign (1); Likely benign (1). Last evaluated 2025-02-19.

Conditions:
CSNK2A1-related disorder. Also called: CSNK2A1- Related Disorders; CSNK2A1-related condition.

Allele frequency attached by ClinVar (database versions not stated): gnomAD exomes 0.00005 and 0.00017; ExAC 0.00025; ESP Exome Variant Server 0.00046; TOPMed 0.00059; gnomAD 0.00063 and 0.00068; 1000 Genomes Project 30x 0.00078; 1000 Genomes Project 0.00100.
gnomAD v4.1: 170 of 1,611,950 alleles (0.011%); highest among the groups gnomAD compares: African/African-American, 0.22%; no homozygotes.

Submissions (2):

PreventionGenetics, part of Exact Sciences
Classification: Likely benign for CSNK2A1-related condition. Last evaluated: 2025-02-19. Review status: criteria provided, single submitter. Criteria: ACMG Guidelines, 2015. Collection method: clinical testing. Allele origin: germline.
Comment: This variant is classified as likely benign based on ACMG/AMP sequence variant interpretation guidelines (Richards et al. 2015 PMID: 25741868, with internal and published modifications).

Labcorp Genetics (formerly Invitae), Labcorp
Classification: Benign. Last evaluated: 2019-01-03. Review status: criteria provided, single submitter. Criteria: Invitae Variant Classification Sherloc (09022015). Collection method: clinical testing. Allele origin: germline.